The following is an entry in ClinVar:

ClinVar aggregate classification (germline): Benign/Likely benign. Review status: criteria provided, multiple submitters, no conflicts (2 of 4 stars). 2 submissions from 2 submitters: Benign (1); Likely benign (1). Last evaluated 2025-09-29.

Conditions:
Brachydactyly type A1. Also called: FARABEE-TYPE BRACHYDACTYLY; SHORT STATURE WITH NONSPECIFIC SKELETAL ABNORMALITIES 2. Identifiers: Orphanet 93388, MedGen C1862151, MONDO:0007215, OMIM 112500, HP:0009371.

Allele frequency attached by ClinVar (database versions not stated): gnomAD 0.00001 and 0.00009; gnomAD exomes 0.00010 and 0.00022; ExAC 0.00027; 1000 Genomes Project 30x 0.00047; 1000 Genomes Project 0.00060.
gnomAD v4.1: 161 of 1,613,718 alleles (0.01%); highest among the groups gnomAD compares: South Asian, 0.16%; no homozygotes.

Submissions (2):

Labcorp Genetics (formerly Invitae), Labcorp
Classification: Likely benign. Last evaluated: 2025-09-29. Review status: criteria provided, single submitter. Criteria: Invitae Variant Classification Sherloc (09022015). Collection method: clinical testing. Allele origin: germline.

Illumina Laboratory Services, Illumina
Classification: Benign for Brachydactyly type A1. Last evaluated: 2018-01-13. Review status: criteria provided, single submitter. Criteria: ICSL Variant Classification Criteria 13 December 2019. Collection method: clinical testing. Allele origin: germline.
Comment: This variant was observed in the ICSL laboratory as part of a predisposition screen in an ostensibly healthy population. It had not been previously curated by ICSL or reported in the Human Gene Mutation Database (HGMD: prior to June 1st, 2018), and was therefore a candidate for classification through an automated scoring system. Utilizing variant allele frequency, disease prevalence and penetrance estimates, and inheritance mode, an automated score was calculated to assess if this variant is too frequent to cause the disease. Based on the score and internal cut-off values, a variant classified as benign is not then subjected to further curation. The score for this variant resulted in a classification of benign for this disease.

NM_002181.4(IHH):c.717C>T (p.Thr239=)

Gene: IHH (Indian hedgehog signaling molecule; minus strand). Cytogenetic location: 2q35.
Variant type: single nucleotide variant.
Coding change: c.717C>T on transcript NM_002181.4 (MANE Select); coding-DNA position 717, C replaced by T.
Protein change: p.Thr239=; no amino-acid change (threonine 239 retained).
Molecular consequence: synonymous variant.
Genome position (GRCh38, 1-based): chr2:219,055,726, G>A on the plus strand (C>T on the coding strand, the complement: IHH is on the minus strand). VCF-style: chr2-219055726-G-A. GRCh37 (hg19) VCF-style: chr2-219920448-G-A.
Identifiers: ClinVar variation 334441 (VCV000334441.7), dbSNP rs533532683, ClinGen allele CA2116625.